The following is an entry in ClinVar:

NM_152424.4(AMER1):c.1346C>G (p.Ala449Gly)

Gene: AMER1 (APC membrane recruitment protein 1; minus strand). Cytogenetic location: Xq11.2.
Variant type: single nucleotide variant.
Coding change: c.1346C>G on transcript NM_152424.4 (MANE Select); coding-DNA position 1346, C replaced by G.
Protein change: p.Ala449Gly; replaces alanine 449 with glycine.
Molecular consequence: missense variant.
Genome position (GRCh38, 1-based): chrX:64,191,941, G>C on the plus strand (C>G on the coding strand, the complement: AMER1 is on the minus strand). VCF-style: chrX-64191941-G-C. GRCh37 (hg19) VCF-style: chrX-63411821-G-C.
Other names: short protein forms A449G.
Identifiers: ClinVar variation 1917450 (VCV001917450.5), dbSNP rs770483231, ClinGen allele CA10432348.

ClinVar aggregate classification (germline): Uncertain significance (1 of 4 stars; one submission).

Allele frequency attached by ClinVar (database versions not stated): ExAC 0.00001; gnomAD exomes 0.00001; TOPMed 0.00001; gnomAD 0.00002.
gnomAD v4.1: 8 of 1,210,137 alleles (0.00066%); highest among the groups gnomAD compares: Non-Finnish European, 0.00089%; no homozygotes.

Submission:

Labcorp Genetics (formerly Invitae), Labcorp
Classification: Uncertain significance. Last evaluated: 2022-08-23. Review status: criteria provided, single submitter. Criteria: Invitae Variant Classification Sherloc (09022015). Collection method: clinical testing. Allele origin: germline.
Comment: In summary, the available evidence is currently insufficient to determine the role of this variant in disease. Therefore, it has been classified as a Variant of Uncertain Significance. Algorithms developed to predict the effect of missense changes on protein structure and function output the following: SIFT: "Tolerated"; PolyPhen-2: "Benign"; Align-GVGD: "Class C0". The glycine amino acid residue is found in multiple mammalian species, which suggests that this missense change does not adversely affect protein function. This variant has not been reported in the literature in individuals affected with AMER1-related conditions. This variant is present in population databases (rs770483231, gnomAD 0.002%). This sequence change replaces alanine, which is neutral and non-polar, with glycine, which is neutral and non-polar, at codon 449 of the AMER1 protein (p.Ala449Gly).